The following is an entry in ClinVar:

ClinVar aggregate classification (germline): Benign (1 of 4 stars; one submission).

Allele frequency attached by ClinVar (database versions not stated): 1000 Genomes Project 30x 0.66864; 1000 Genomes Project 0.67732; TOPMed 0.71866; gnomAD 0.72990 and 0.73006.
gnomAD v4.1: 111,103 of 152,070 alleles (73%); highest among the groups gnomAD compares: Non-Finnish European, 81%; 41,169 homozygotes.

Submission:

GeneDx
Classification: Benign. Last evaluated: 2018-06-14. Review status: criteria provided, single submitter. Criteria: GeneDx Variant Classification (06012015). Collection method: clinical testing. Allele origin: germline. Affected: yes.
Comment: This variant is considered likely benign or benign based on one or more of the following criteria: it is a conservative change, it occurs at a poorly conserved position in the protein, it is predicted to be benign by multiple in silico algorithms, and/or has population frequency not consistent with disease.

NM_022124.6(CDH23):c.4488+298G>A

Gene: CDH23 (cadherin related 23; plus strand). Cytogenetic location: 10q22.1.
Variant type: single nucleotide variant.
Coding change: c.4488+298G>A on transcript NM_022124.6 (MANE Select); 298 bases into the intron after coding-DNA position 4488, G replaced by A.
Molecular consequence: intron variant.
Genome position (GRCh38, 1-based): chr10:71,740,070, G>A. VCF-style: chr10-71740070-G-A. GRCh37 (hg19) VCF-style: chr10-73499827-G-A.
Identifiers: ClinVar variation 680506 (VCV000680506.1), dbSNP rs1227057, ClinGen allele CA15658910.